The following is an entry in ClinVar:

NM_000138.5(FBN1):c.1390C>A (p.Arg464Ser)

Gene: FBN1 (fibrillin 1; minus strand). Cytogenetic location: 15q21.1.
Variant type: single nucleotide variant.
Coding change: c.1390C>A on transcript NM_000138.5 (MANE Select); coding-DNA position 1390, C replaced by A.
Protein change: p.Arg464Ser; replaces arginine 464 with serine.
Molecular consequence: missense variant.
Genome position (GRCh38, 1-based): chr15:48,515,465, G>T on the plus strand (C>A on the coding strand, the complement: FBN1 is on the minus strand). VCF-style: chr15-48515465-G-T. GRCh37 (hg19) VCF-style: chr15-48807662-G-T.
Other names: short protein forms R464S.
Identifiers: ClinVar variation 862212 (VCV000862212.11), dbSNP rs587782943, ClinGen allele CA392343824.

ClinVar aggregate classification (germline): Uncertain significance. Review status: criteria provided, multiple submitters, no conflicts (2 of 4 stars). 2 submissions from 2 submitters: Uncertain significance (2). Last evaluated 2025-04-03.

Conditions:
Familial thoracic aortic aneurysm and aortic dissection (TAAD). Also called: Thoracic aortic aneurysms and dissections. Identifiers: Orphanet 91387, MedGen C4707243, MONDO:0019625.
Marfan syndrome (MFS). Also called: FBN1-Related Marfan Syndrome; Marfan's syndrome; MARFAN SYNDROME, TYPE I; Marfan syndrome type 1; Marfan syndrome, classic. Identifiers: Orphanet 284963, Orphanet 558, MedGen C0024796, MONDO:0007947, OMIM 154700.

Allele frequency attached by ClinVar (database versions not stated): TOPMed 0.00001.

Submissions (2):

GeneDx
Classification: Uncertain significance. Last evaluated: 2025-04-03. Review status: criteria provided, single submitter. Criteria: GeneDx Variant Classification Process June 2021. Collection method: clinical testing. Allele origin: germline. Affected: yes.
Comment: Not observed at significant frequency in large population cohorts (gnomAD); In silico analysis supports that this missense variant has a deleterious effect on protein structure/function; Has not been previously published as pathogenic or benign to our knowledge; Does not affect a cysteine or calcium-binding residue within an EGF-like domain or a TGF-binding protein domain of the FBN1 gene; cysteine substitutions in the EGF-like domains represent the majority of pathogenic missense changes associated with FBN1-related disorders (PMID: 12938084); This variant is associated with the following publications: (PMID: 12938084)

Labcorp Genetics (formerly Invitae), Labcorp
Classification: Uncertain significance for Marfan syndrome; Familial thoracic aortic aneurysm and aortic dissection. Last evaluated: 2019-12-18. Review status: criteria provided, single submitter. Criteria: Invitae Variant Classification Sherloc (09022015). Collection method: clinical testing. Allele origin: germline.
Comment: In summary, the available evidence is currently insufficient to determine the role of this variant in disease. Therefore, it has been classified as a Variant of Uncertain Significance. Algorithms developed to predict the effect of sequence changes on RNA splicing suggest that this variant may create or strengthen a splice site, but this prediction has not been confirmed by published transcriptional studies. Algorithms developed to predict the effect of missense changes on protein structure and function are either unavailable or do not agree on the potential impact of this missense change (SIFT: "Deleterious"; PolyPhen-2: "Benign"; Align-GVGD: "Class C0"). This variant has not been reported in the literature in individuals with FBN1-related conditions. This variant is not present in population databases (ExAC no frequency). This sequence change replaces arginine with serine at codon 464 of the FBN1 protein (p.Arg464Ser). The arginine residue is highly conserved and there is a moderate physicochemical difference between arginine and serine.